The following is an entry in ClinVar:

NM_001010898.4(SLC6A17):c.1749C>G (p.Leu583=)

Gene: SLC6A17 (solute carrier family 6 member 17; plus strand). Cytogenetic location: 1p13.3.
Variant type: single nucleotide variant.
Coding change: c.1749C>G on transcript NM_001010898.4 (MANE Select); coding-DNA position 1749, C replaced by G.
Protein change: p.Leu583=; no amino-acid change (leucine 583 retained).
Molecular consequence: synonymous variant.
Genome position (GRCh38, 1-based): chr1:110,197,533, C>G. VCF-style: chr1-110197533-C-G. GRCh37 (hg19) VCF-style: chr1-110740155-C-G.
Identifiers: ClinVar variation 4872903 (VCV004872903.2).

ClinVar aggregate classification (germline): Likely benign (1 of 4 stars; one submission).

Submission:

CeGaT Center for Human Genetics Tuebingen
Classification: Likely benign. Last evaluated: 2026-04-01. Review status: criteria provided, single submitter. Criteria: CeGaT Center For Human Genetics Tuebingen Variant Classification Criteria Version 2. Collection method: clinical testing. Allele origin: germline. Affected: yes. Observed: 1 variant allele.
Comment: SLC6A17: PM2:Supporting, BP4, BP7